The following is an entry in ClinVar:

ClinVar aggregate classification (germline): Likely pathogenic (1 of 4 stars; one submission).

Submission:

GeneDx
Classification: Likely pathogenic. Last evaluated: 2016-05-17. Review status: criteria provided, single submitter. Criteria: GeneDx Variant Classification (06012015). Collection method: clinical testing. Allele origin: germline. Affected: yes.
Comment: The c.4003_4017dup15 variant in the TUBGCP6 gene has not been reported previously as a pathogenic variant nor as a benign variant, to our knowledge. The c.4003_4017dup15 variant causes an in-frame duplication of five amino acid residues, denoted p.Gly1335_Gly1339dup. The c.4003_4017dup15 variant was not observed in approximately 6,500 individuals of European and African American ancestry in the NHLBI Exome Sequencing Project, indicating it is not a common benign variant in these populations. We consider to be a strong candidate for a pathogenic variant.

NM_020461.4(TUBGCP6):c.4003_4017dup (p.Gly1335_Gly1339dup)

Gene: TUBGCP6 (tubulin gamma complex component 6; minus strand). Cytogenetic location: 22q13.33.
Variant type: Duplication.
Coding change: c.4003_4017dup on transcript NM_020461.4 (MANE Select); coding-DNA positions 4003 to 4017, 15 bases duplicated (GGCTGCGGGGAGGGG).
Protein change: p.Gly1335_Gly1339dup.
Molecular consequence: inframe insertion.
Genome position (GRCh38, 1-based): chr22:50,220,342-50,220,356, CCCCTCCCCGCAGCC duplicated on the plus strand (GGCTGCGGGGAGGGG on the coding strand, the reverse complement: TUBGCP6 is on the minus strand); duplicating any 15 consecutive bases within chr22:50,220,342-50,220,357 gives the same sequence; the c. name uses the placement nearest the transcript's 3' end. VCF-style (leftmost placement, unchanged base first): chr22-50220341-T-TCCCCTCCCCGCAGCC. GRCh37 (hg19) VCF-style: chr22-50658770-T-TCCCCTCCCCGCAGCC.
Identifiers: ClinVar variation 421262 (VCV000421262.2), dbSNP rs1555907238, ClinGen allele CA16621134.